The following is an entry in ClinVar:

NM_000548.5(TSC2):c.4930G>T (p.Asp1644Tyr)

Gene: TSC2 (TSC complex subunit 2; plus strand). Cytogenetic location: 16p13.3.
Variant type: single nucleotide variant.
Coding change: c.4930G>T on transcript NM_000548.5 (MANE Select); coding-DNA position 4930, G replaced by T.
Protein change: p.Asp1644Tyr; replaces aspartic acid 1644 with tyrosine.
Molecular consequence: missense variant.
Genome position (GRCh38, 1-based): chr16:2,086,812, G>T. VCF-style: chr16-2086812-G-T. GRCh37 (hg19) VCF-style: chr16-2136813-G-T.
Other names: c.4729G>T, p.Asp1577Tyr (NM_001077183.3); c.4861G>T, p.Asp1621Tyr (NM_001114382.3); c.4621G>T, p.Asp1541Tyr (NM_001318827.2); c.4585G>T, p.Asp1529Tyr (NM_001318829.2); c.4198G>T, p.Asp1400Tyr (NM_001318831.2); c.4762G>T, p.Asp1588Tyr (NM_001318832.2); c.4732G>T, p.Asp1578Tyr (NM_001363528.2); c.4798G>T, p.Asp1600Tyr (NM_001370404.1); and 1 more; short protein forms D1541Y, D1588Y, D1601Y, D1400Y, D1600Y, D1529Y, D1577Y, D1578Y.
Identifiers: ClinVar variation 1045993 (VCV001045993.8), dbSNP rs137853999, ClinGen allele CA394308649.

ClinVar aggregate classification (germline): Pathogenic (1 of 4 stars; one submission).

Conditions:
Tuberous sclerosis 2 (TSC2). Identifiers: Orphanet 805, MedGen C1860707, MONDO:0013199, OMIM 613254.

Submission:

Labcorp Genetics (formerly Invitae), Labcorp
Classification: Pathogenic for Tuberous sclerosis 2. Last evaluated: 2020-11-18. Review status: criteria provided, single submitter. Criteria: Invitae Variant Classification Sherloc (09022015). Collection method: clinical testing. Allele origin: germline.
Comment: Advanced modeling of protein sequence and biophysical properties (such as structural, functional, and spatial information, amino acid conservation, physicochemical variation, residue mobility, and thermodynamic stability) performed at Invitae indicates that this missense variant is expected to disrupt TSC2 protein function. This variant has been observed in individual(s) with tuberous sclerosis complex (Invitae). In at least one individual the variant was observed to be de novo. This variant is not present in population databases (ExAC no frequency). This sequence change replaces aspartic acid with tyrosine at codon 1644 of the TSC2 protein (p.Asp1644Tyr). The aspartic acid residue is highly conserved and there is a large physicochemical difference between aspartic acid and tyrosine. For these reasons, this variant has been classified as Pathogenic.